The following is an entry in ClinVar:

NM_001048174.2(MUTYH):c.1286G>C (p.Gly429Ala)

Gene: MUTYH (mutY DNA glycosylase; minus strand). Cytogenetic location: 1p34.1.
Variant type: single nucleotide variant.
Coding change: c.1286G>C on transcript NM_001048174.2 (MANE Select); coding-DNA position 1286, G replaced by C.
Protein change: p.Gly429Ala; replaces glycine 429 with alanine.
Molecular consequence: missense variant. On other transcripts: non-coding transcript variant (2).
Genome position (GRCh38, 1-based): chr1:45,331,288, C>G on the plus strand (G>C on the coding strand, the complement: MUTYH is on the minus strand). VCF-style: chr1-45331288-C-G. GRCh37 (hg19) VCF-style: chr1-45796960-C-G.
Other names: c.1286G>C, p.Gly429Ala (NM_001048171.2, NM_001048173.2, NM_001293195.2); c.1289G>C, p.Gly430Ala (NM_001048172.2); c.1370G>C, p.Gly457Ala (NM_001128425.2); c.1331G>C, p.Gly444Ala (NM_001293190.2); c.1319G>C, p.Gly440Ala (NM_001293191.2); c.1010G>C, p.Gly337Ala (NM_001293192.2, NM_001293196.2); c.941G>C, p.Gly314Ala (NM_001350650.2, NM_001350651.2); c.1361G>C, p.Gly454Ala (NM_012222.3); short protein forms G457A, G440A, G454A, G444A, G314A, G337A, G429A, G430A.
Identifiers: ClinVar variation 492015 (VCV000492015.5), dbSNP rs1553125193, ClinGen allele CA340132710.
Genomic context (GRCh38, chr1:45,331,288, plus strand): 5'-GTCAGCCAGCGAGCACCTGGTGGTACGGTGGTCACTGGGGTCTGCCCTTCCAAGGCCAGC[C>G]CATATACTTGATATGTCAGCTTGATGTGAGAGAAGGTGTGGACAACCTGGAGGAAGGGTC-3'
Protein context (NP_001041639.1, residues 419-439): SHIKLTYQVY[Gly429Ala]LALEGQTPVT

ClinVar aggregate classification (germline): Uncertain significance. Review status: criteria provided, multiple submitters, no conflicts (2 of 4 stars). 2 submissions from 2 submitters: Uncertain significance (2). Last evaluated 2025-08-27.

Conditions:
Hereditary cancer-predisposing syndrome. Also called: Hereditary neoplastic syndrome; Tumor predisposition; Hereditary Cancer Syndrome; Neoplastic Syndromes, Hereditary. Identifiers: Orphanet 140162, MedGen C0027672, MeSH D009386, MONDO:0015356.

Submissions (2):

Ambry Genetics
Classification: Uncertain significance for Hereditary cancer-predisposing syndrome. Last evaluated: 2025-08-27. Review status: criteria provided, single submitter. Criteria: Ambry Variant Classification Scheme 2023. Collection method: clinical testing. Allele origin: germline.
Comment: The p.G457A variant (also known as c.1370G>C), located in coding exon 14 of the MUTYH gene, results from a G to C substitution at nucleotide position 1370. The glycine at codon 457 is replaced by alanine, an amino acid with similar properties. This amino acid position is conserved. In addition, this alteration is predicted to be tolerated by in silico analysis. Based on the available evidence, the clinical significance of this variant remains unclear.

Color Diagnostics, LLC DBA Color Health
Classification: Uncertain significance for Hereditary cancer-predisposing syndrome. Last evaluated: 2019-06-30. Review status: criteria provided, single submitter. Criteria: ACMG Guidelines, 2015. Collection method: clinical testing. Allele origin: germline.